The following is an entry in ClinVar:

NM_001257096.2(PAX1):c.380C>T (p.Ala127Val)

Gene: PAX1 (paired box 1; plus strand). Cytogenetic location: 20p11.22.
Variant type: single nucleotide variant.
Coding change: c.380C>T on transcript NM_001257096.2 (MANE Select); coding-DNA position 380, C replaced by T.
Protein change: p.Ala127Val; replaces alanine 127 with valine.
Molecular consequence: missense variant.
Genome position (GRCh38, 1-based): chr20:21,706,531, C>T. VCF-style: chr20-21706531-C-T. GRCh37 (hg19) VCF-style: chr20-21687169-C-T.
Other names: c.380C>T, p.Ala127Val (NM_006192.5); short protein forms A127V.
Identifiers: ClinVar variation 1962277 (VCV001962277.5), dbSNP rs746556917, ClinGen allele CA408497849.

ClinVar aggregate classification (germline): Uncertain significance (1 of 4 stars; one submission).

gnomAD v4.1: 1 of 1,612,246 alleles (0.000062%); highest among the groups gnomAD compares: Non-Finnish European, 0.000085%; no homozygotes.

Submission:

Labcorp Genetics (formerly Invitae), Labcorp
Classification: Uncertain significance. Last evaluated: 2022-07-03. Review status: criteria provided, single submitter. Criteria: Invitae Variant Classification Sherloc (09022015). Collection method: clinical testing. Allele origin: germline.
Comment: In summary, the available evidence is currently insufficient to determine the role of this variant in disease. Therefore, it has been classified as a Variant of Uncertain Significance. Algorithms developed to predict the effect of missense changes on protein structure and function are either unavailable or do not agree on the potential impact of this missense change (SIFT: "Deleterious"; PolyPhen-2: "Probably Damaging"; Align-GVGD: "Class C0"). This variant has not been reported in the literature in individuals affected with PAX1-related conditions. This variant is not present in population databases (gnomAD no frequency). This sequence change replaces alanine, which is neutral and non-polar, with valine, which is neutral and non-polar, at codon 127 of the PAX1 protein (p.Ala127Val).